The following is an entry in ClinVar:

NM_002860.4(ALDH18A1):c.1240G>A (p.Ala414Thr)

Gene: ALDH18A1 (aldehyde dehydrogenase 18 family member A1; minus strand). Cytogenetic location: 10q24.1.
Variant type: single nucleotide variant.
Coding change: c.1240G>A on transcript NM_002860.4 (MANE Select); coding-DNA position 1240, G replaced by A.
Protein change: p.Ala414Thr; replaces alanine 414 with threonine.
Molecular consequence: missense variant.
Genome position (GRCh38, 1-based): chr10:95,625,368, C>T on the plus strand (G>A on the coding strand, the complement: ALDH18A1 is on the minus strand). VCF-style: chr10-95625368-C-T. GRCh37 (hg19) VCF-style: chr10-97385125-C-T.
Other names: c.1234G>A, p.Ala412Thr (NM_001017423.2, NM_001323415.2); c.907G>A, p.Ala303Thr (NM_001323412.2, NM_001323416.2); c.1240G>A, p.Ala414Thr (NM_001323413.2, NM_001323414.2); c.1135G>A, p.Ala379Thr (NM_001323417.2); c.901G>A, p.Ala301Thr (NM_001323418.2); c.604G>A, p.Ala202Thr (NM_001323419.2); short protein forms A202T, A301T, A303T, A379T, A412T, A414T.
Identifiers: ClinVar variation 2640713 (VCV002640713.24), dbSNP rs2526811180, ClinGen allele CA377702580.

ClinVar aggregate classification (germline): Uncertain significance (1 of 4 stars; one submission).

Submission:

CeGaT Center for Human Genetics Tuebingen
Classification: Uncertain significance. Last evaluated: 2023-03-01. Review status: criteria provided, single submitter. Criteria: CeGaT Center For Human Genetics Tuebingen Variant Classification Criteria Version 2. Collection method: clinical testing. Allele origin: germline. Affected: yes. Observed: 1 variant allele.
Comment: ALDH18A1: PM2